The following is an entry in ClinVar:

ClinVar aggregate classification (germline): Uncertain significance (1 of 4 stars; one submission).

Conditions:
Walker-Warburg congenital muscular dystrophy. Also called: Muscular dystrophy-dystroglycanopathy, type A; Walker-Warburg syndrome. Identifiers: Orphanet 899, MedGen C0265221, MONDO:0000171.

Submission:

Labcorp Genetics (formerly Invitae), Labcorp
Classification: Uncertain significance for Walker-Warburg congenital muscular dystrophy. Last evaluated: 2022-05-28. Review status: criteria provided, single submitter. Criteria: Invitae Variant Classification Sherloc (09022015). Collection method: clinical testing. Allele origin: germline.
Comment: This sequence change replaces methionine, which is neutral and non-polar, with arginine, which is basic and polar, at codon 144 of the FKRP protein (p.Met144Arg). This variant is not present in population databases (gnomAD no frequency). This variant has not been reported in the literature in individuals affected with FKRP-related conditions. Algorithms developed to predict the effect of missense changes on protein structure and function are either unavailable or do not agree on the potential impact of this missense change (SIFT: "Deleterious"; PolyPhen-2: "Possibly Damaging"; Align-GVGD: "Class C0"). In summary, the available evidence is currently insufficient to determine the role of this variant in disease. Therefore, it has been classified as a Variant of Uncertain Significance.

NM_024301.5(FKRP):c.431T>G (p.Met144Arg)

Gene: FKRP (fukutin related protein; plus strand). Cytogenetic location: 19q13.32.
Variant type: single nucleotide variant.
Coding change: c.431T>G on transcript NM_024301.5 (MANE Select); coding-DNA position 431, T replaced by G.
Protein change: p.Met144Arg; replaces methionine 144 with arginine.
Molecular consequence: missense variant.
Genome position (GRCh38, 1-based): chr19:46,755,881, T>G. VCF-style: chr19-46755881-T-G. GRCh37 (hg19) VCF-style: chr19-47259138-T-G.
Other names: c.431T>G, p.Met144Arg (NM_001039885.3); short protein forms M144R.
Identifiers: ClinVar variation 2123498 (VCV002123498.4), dbSNP rs2513988212, ClinGen allele CA406495310.